The following is an entry in ClinVar:

ClinVar aggregate classification (germline): Uncertain significance. Review status: criteria provided, multiple submitters, no conflicts (2 of 4 stars). 2 submissions from 2 submitters: Uncertain significance (2). Last evaluated 2024-07-31.

Conditions:
Hereditary cancer-predisposing syndrome. Also called: Neoplastic Syndromes, Hereditary; Hereditary Cancer Syndrome; Tumor predisposition; Hereditary neoplastic syndrome. Identifiers: Orphanet 140162, MedGen C0027672, MeSH D009386, MONDO:0015356.
Ataxia-telangiectasia syndrome (AT). Also called: LOUIS-BAR SYNDROME; ATAXIA-TELANGIECTASIA, COMPLEMENTATION GROUP A; Ataxia-telangiectasia, complementation group D; AT, COMPLEMENTATION GROUP C; Ataxia-telangiectasia, complementation group E; Ataxia-telangiectasia. Identifiers: Orphanet 100, MedGen C0004135, MONDO:0008840, OMIM 208900.

Submissions (2):

Labcorp Genetics (formerly Invitae), Labcorp
Classification: Uncertain significance for Ataxia-telangiectasia syndrome. Last evaluated: 2024-07-31. Review status: criteria provided, single submitter. Criteria: Invitae Variant Classification Sherloc (09022015). Collection method: clinical testing. Allele origin: germline.
Comment: This sequence change replaces threonine, which is neutral and polar, with isoleucine, which is neutral and non-polar, at codon 1609 of the ATM protein (p.Thr1609Ile). This variant is not present in population databases (gnomAD no frequency). This variant has not been reported in the literature in individuals affected with ATM-related conditions. ClinVar contains an entry for this variant (Variation ID: 2568240). An algorithm developed to predict the effect of missense changes on protein structure and function (PolyPhen-2) suggests that this variant is likely to be tolerated. In summary, the available evidence is currently insufficient to determine the role of this variant in disease. Therefore, it has been classified as a Variant of Uncertain Significance.

Ambry Genetics
Classification: Uncertain significance for Hereditary cancer-predisposing syndrome. Last evaluated: 2023-05-26. Review status: criteria provided, single submitter. Criteria: Ambry Variant Classification Scheme 2023. Collection method: clinical testing. Allele origin: germline.
Comment: The p.T1609I variant (also known as c.4826C>T), located in coding exon 31 of the ATM gene, results from a C to T substitution at nucleotide position 4826. The threonine at codon 1609 is replaced by isoleucine, an amino acid with similar properties. This amino acid position is conserved. In addition, the in silico prediction for this alteration is inconclusive. Since supporting evidence is limited at this time, the clinical significance of this alteration remains unclear.

NM_000051.4(ATM):c.4826C>T (p.Thr1609Ile)

Gene: ATM (ATM serine/threonine kinase; plus strand). Cytogenetic location: 11q22.3.
Variant type: single nucleotide variant.
Coding change: c.4826C>T on transcript NM_000051.4 (MANE Select); coding-DNA position 4826, C replaced by T.
Protein change: p.Thr1609Ile; replaces threonine 1609 with isoleucine.
Molecular consequence: missense variant.
Genome position (GRCh38, 1-based): chr11:108,294,976, C>T. VCF-style: chr11-108294976-C-T. GRCh37 (hg19) VCF-style: chr11-108165703-C-T.
Other names: c.4826C>T, p.Thr1609Ile (NM_001351834.2); short protein forms T1609I.
Identifiers: ClinVar variation 2568240 (VCV002568240.4), dbSNP rs1316363133, ClinGen allele CA382536753.
Genomic context (GRCh38, chr11:108,294,976, plus strand): 5'-TTCTCTTTTAGGAAATTAACCATTTTCTCTCAGTAAGTGTTTATGATGCACTTCCATTGA[C>T]AAGACTTGAAGGACTAAAGGATCTTCGAAGACAACTGGAACTACATAAAGATCAGATGGT-3'
Protein context (NP_000042.3, residues 1599-1619): SVSVYDALPL[Thr1609Ile]RLEGLKDLRR